The following is an entry in ClinVar:

ClinVar aggregate classification (germline): Uncertain significance (1 of 4 stars; one submission).

Allele frequency attached by ClinVar (database versions not stated): ExAC 0.00001; gnomAD 0.00003 and 0.00004; TOPMed 0.00004; ESP Exome Variant Server 0.00008.
gnomAD v4.1: 79 of 1,614,108 alleles (0.0049%); highest among the groups gnomAD compares: Non-Finnish European, 0.0064%; no homozygotes.

Submission:

Quest Diagnostics Nichols Institute San Juan Capistrano
Classification: Uncertain significance. Last evaluated: 2025-04-21. Review status: criteria provided, single submitter. Criteria: Quest Diagnostics criteria. Collection method: clinical testing. Allele origin: unknown.
Comment: The VWF c.2477G>A (p.Arg826Lys) variant has not been reported in individuals with VWF-related conditions in the published literature. The frequency of this variant in the general population (Genome Aggregation Database) is uninformative in the assessment of its pathogenicity. Analysis of this variant using bioinformatics tools for the prediction of the effect of amino acid changes on protein structure and function yielded conflicting predictions that this variant is benign or damaging. Based on the available information, we are unable to determine the clinical significance of this variant.

NM_000552.5(VWF):c.2477G>A (p.Arg826Lys)

Gene: VWF (von Willebrand factor; minus strand). Cytogenetic location: 12p13.31.
Variant type: single nucleotide variant.
Coding change: c.2477G>A on transcript NM_000552.5 (MANE Select); coding-DNA position 2477, G replaced by A.
Protein change: p.Arg826Lys; replaces arginine 826 with lysine.
Molecular consequence: missense variant.
Genome position (GRCh38, 1-based): chr12:6,036,457, C>T on the plus strand (G>A on the coding strand, the complement: VWF is on the minus strand). VCF-style: chr12-6036457-C-T. GRCh37 (hg19) VCF-style: chr12-6145623-C-T.
Other names: c.2477G>A (NM_000552.4); short protein forms R826K.
Identifiers: ClinVar variation 619745 (VCV000619745.4), dbSNP rs368825064, ClinGen allele CA6403055.